The following is an entry in ClinVar:

NM_181486.4(TBX5):c.286C>T (p.Pro96Ser)

Gene: TBX5 (T-box transcription factor 5; minus strand). Cytogenetic location: 12q24.21.
Variant type: single nucleotide variant.
Coding change: c.286C>T on transcript NM_181486.4 (MANE Select); coding-DNA position 286, C replaced by T.
Protein change: p.Pro96Ser; replaces proline 96 with serine.
Molecular consequence: missense variant.
Genome position (GRCh38, 1-based): chr12:114,399,589, G>A on the plus strand (C>T on the coding strand, the complement: TBX5 is on the minus strand). VCF-style: chr12-114399589-G-A. GRCh37 (hg19) VCF-style: chr12-114837394-G-A.
Other names: c.286C>T, p.Pro96Ser (NM_000192.3); c.136C>T, p.Pro46Ser (NM_080717.4); short protein forms P46S, P96S.
Identifiers: ClinVar variation 2042454 (VCV002042454.6), dbSNP rs1203503352, ClinGen allele CA386862770.

ClinVar aggregate classification (germline): Uncertain significance. Review status: criteria provided, multiple submitters, no conflicts (2 of 4 stars). 2 submissions from 2 submitters: Uncertain significance (2). Last evaluated 2023-03-31.

Conditions:
Aortic valve disease 2 (AOVD2). Identifiers: MedGen C3542024, MONDO:0013902, OMIM 614823.
Cardiovascular phenotype. Identifiers: MedGen CN230736.

Allele frequency attached by ClinVar (database versions not stated): gnomAD exomes 0.00002.

Submissions (2):

Ambry Genetics
Classification: Uncertain significance for Cardiovascular phenotype. Last evaluated: 2023-03-31. Review status: criteria provided, single submitter. Criteria: Ambry Variant Classification Scheme 2023. Collection method: clinical testing. Allele origin: germline.
Comment: The p.P96S variant (also known as c.286C>T), located in coding exon 3 of the TBX5 gene, results from a C to T substitution at nucleotide position 286. The proline at codon 96 is replaced by serine, an amino acid with similar properties. This amino acid position is highly conserved in available vertebrate species. In addition, this alteration is predicted to be deleterious by in silico analysis. Since supporting evidence is limited at this time, the clinical significance of this alteration remains unclear.

Labcorp Genetics (formerly Invitae), Labcorp
Classification: Uncertain significance for Aortic valve disease 2. Last evaluated: 2022-05-04. Review status: criteria provided, single submitter. Criteria: Invitae Variant Classification Sherloc (09022015). Collection method: clinical testing. Allele origin: germline.
Comment: In summary, the available evidence is currently insufficient to determine the role of this variant in disease. Therefore, it has been classified as a Variant of Uncertain Significance. Advanced modeling of protein sequence and biophysical properties (such as structural, functional, and spatial information, amino acid conservation, physicochemical variation, residue mobility, and thermodynamic stability) performed at Invitae indicates that this missense variant is not expected to disrupt TBX5 protein function. This variant has not been reported in the literature in individuals affected with TBX5-related conditions. This variant is present in population databases (no rsID available, gnomAD 0.0009%). This sequence change replaces proline, which is neutral and non-polar, with serine, which is neutral and polar, at codon 96 of the TBX5 protein (p.Pro96Ser).